The following is an entry in ClinVar:

ClinVar aggregate classification (germline): Uncertain significance. Review status: criteria provided, multiple submitters, no conflicts (2 of 4 stars). 2 submissions from 2 submitters: Uncertain significance (2). Last evaluated 2024-08-19.

Allele frequency attached by ClinVar (database versions not stated): gnomAD exomes 0.00001; TOPMed 0.00002; gnomAD 0.00003.
gnomAD v4.1: 15 of 1,611,466 alleles (0.00093%); highest among the groups gnomAD compares: South Asian, 0.0022%; no homozygotes.

Submissions (2):

Ambry Genetics
Classification: Uncertain significance. Last evaluated: 2024-08-19. Review status: criteria provided, single submitter. Criteria: Ambry Variant Classification Scheme 2023. Collection method: clinical testing. Allele origin: germline.

Labcorp Genetics (formerly Invitae), Labcorp
Classification: Uncertain significance. Last evaluated: 2022-05-27. Review status: criteria provided, single submitter. Criteria: Invitae Variant Classification Sherloc (09022015). Collection method: clinical testing. Allele origin: germline.
Comment: This variant is present in population databases (no rsID available, gnomAD 0.003%). This sequence change replaces alanine, which is neutral and non-polar, with valine, which is neutral and non-polar, at codon 275 of the PLEKHG2 protein (p.Ala275Val). This variant has not been reported in the literature in individuals affected with PLEKHG2-related conditions. In summary, the available evidence is currently insufficient to determine the role of this variant in disease. Therefore, it has been classified as a Variant of Uncertain Significance. Algorithms developed to predict the effect of missense changes on protein structure and function (SIFT, PolyPhen-2, Align-GVGD) all suggest that this variant is likely to be disruptive.

NM_022835.3(PLEKHG2):c.824C>T (p.Ala275Val)

Gene: PLEKHG2 (pleckstrin homology and RhoGEF domain containing G2; plus strand). Cytogenetic location: 19q13.2.
Variant type: single nucleotide variant.
Coding change: c.824C>T on transcript NM_022835.3 (MANE Select); coding-DNA position 824, C replaced by T.
Protein change: p.Ala275Val; replaces alanine 275 with valine.
Molecular consequence: missense variant.
Genome position (GRCh38, 1-based): chr19:39,417,634, C>T. VCF-style: chr19-39417634-C-T. GRCh37 (hg19) VCF-style: chr19-39908274-C-T.
Other names: c.824C>T (NM_022835.2); c.647C>T, p.Ala216Val (NM_001351693.2); c.824C>T, p.Ala275Val (NM_001351694.2); short protein forms A216V, A275V.
Identifiers: ClinVar variation 1992024 (VCV001992024.5), dbSNP rs1347085240, ClinGen allele CA405791174.